The following is an entry in ClinVar:

NM_199242.3(UNC13D):c.811C>T (p.Pro271Ser)

Gene: UNC13D (unc-13 homolog D; minus strand). Cytogenetic location: 17q25.1.
Variant type: single nucleotide variant.
Coding change: c.811C>T on transcript NM_199242.3 (MANE Select); coding-DNA position 811, C replaced by T.
Protein change: p.Pro271Ser; replaces proline 271 with serine.
Molecular consequence: missense variant.
Genome position (GRCh38, 1-based): chr17:75,840,272, G>A on the plus strand (C>T on the coding strand, the complement: UNC13D is on the minus strand). VCF-style: chr17-75840272-G-A. GRCh37 (hg19) VCF-style: chr17-73836353-G-A.
Other names: short protein forms P271S.
Identifiers: ClinVar variation 719448 (VCV000719448.24), dbSNP rs139564938, ClinGen allele CA8773269.

ClinVar aggregate classification (germline): Conflicting classifications of pathogenicity. Review status: criteria provided, conflicting classifications (1 of 4 stars). 6 submissions from 6 submitters: Uncertain significance (2); Benign (1); Likely benign (2). 1 of the submissions does not count toward it. Last evaluated 2026-01-25.

Conditions:
Autoinflammatory syndrome. Identifiers: Orphanet 93665, MedGen C3890737, MONDO:0019751.
UNC13D-related disorder. Also called: UNC13D-related condition.
Familial hemophagocytic lymphohistiocytosis 3 (FHL3). Also called: UNC13D-Related Familial Hemophagocytic Lymphohistiocytosis (UNC13D-fHLH). Identifiers: Orphanet 540, MedGen C1837174, MONDO:0012146, OMIM 608898.

Allele frequency attached by ClinVar (database versions not stated): TOPMed 0.00017; 1000 Genomes Project 0.00020; gnomAD 0.00020 and 0.00022; 1000 Genomes Project 30x 0.00031; ESP Exome Variant Server 0.00046; gnomAD exomes 0.00051; ExAC 0.00054.

Submissions (6):

Labcorp Genetics (formerly Invitae), Labcorp
Classification: Benign for Familial hemophagocytic lymphohistiocytosis 3. Last evaluated: 2026-01-25. Review status: criteria provided, single submitter. Criteria: Invitae Variant Classification Sherloc (09022015). Collection method: clinical testing. Allele origin: germline.

Blueprint Genetics
Classification: Likely benign. Last evaluated: 2024-11-19. Review status: criteria provided, single submitter. Criteria: ACMG Guidelines, 2015. Collection method: clinical testing. Allele origin: germline.

Genetic Services Laboratory, University of Chicago
Classification: Likely benign. Last evaluated: 2021-12-23. Review status: criteria provided, single submitter. Criteria: ACMG Guidelines, 2015. Collection method: clinical testing. Allele origin: germline. Affected: no.

Genome Diagnostics Laboratory, The Hospital for Sick Children
Classification: Uncertain significance for Autoinflammatory syndrome. Last evaluated: 2021-03-23. Review status: criteria provided, single submitter. Criteria: ACMG Guidelines, 2015. Collection method: clinical testing. Allele origin: germline. Affected: yes.

Illumina Laboratory Services, Illumina
Classification: Uncertain significance for Familial hemophagocytic lymphohistiocytosis 3. Last evaluated: 2017-04-27. Review status: criteria provided, single submitter. Criteria: ICSL Variant Classification Criteria 13 December 2019. Collection method: clinical testing. Allele origin: germline.
Comment: This variant was observed as part of a predisposition screen in an ostensibly healthy population. A literature search was performed for the gene, cDNA change, and amino acid change (where applicable). Publications were found based on this search. However, the evidence from the literature, in combination with allele frequency data from public databases where available, was not sufficient to rule this variant in or out of causing disease. Therefore, this variant is classified as a variant of unknown significance.

PreventionGenetics, part of Exact Sciences
Classification: Likely benign for UNC13D-related condition. Last evaluated: 2019-03-28. Review status: no assertion criteria provided. Collection method: clinical testing. Allele origin: germline. Not counted in ClinVar's aggregate classification.
Comment: This variant is classified as likely benign based on ACMG/AMP sequence variant interpretation guidelines (Richards et al. 2015 PMID: 25741868, with internal and published modifications).

Literature cited by the submitters: PubMed 23840885 (cited by Illumina Laboratory Services, Illumina); PubMed 24459464 (cited by Illumina Laboratory Services, Illumina).